The following is an entry in ClinVar:

ClinVar aggregate classification (germline): Uncertain significance (1 of 4 stars; one submission).

Conditions:
Snijders Blok-Campeau syndrome. Also called: INTELLECTUAL DEVELOPMENTAL DISORDER WITH MACROCEPHALY, SPEECH DELAY, AND DYSMORPHIC FACIES. Identifiers: Orphanet 599082, MedGen C4748701, MONDO:0032600, OMIM 618205.

Submission:

Laboratorio de Genetica e Diagnostico Molecular, Hospital Israelita Albert Einstein
Classification: Uncertain significance for Snijders Blok-Campeau syndrome. Last evaluated: 2023-01-20. Review status: criteria provided, single submitter. Criteria: ACMG Guidelines, 2015. Collection method: clinical testing. Allele origin: germline. Affected: yes. Observed: 1 variant allele.
Comment: ACMG classification criteria: PM1 moderated, PM2 moderated, PP3 supporting

NM_001005273.3(CHD3):c.2915T>A (p.Val972Asp)

Gene: CHD3 (chromodomain helicase DNA binding protein 3; plus strand). Cytogenetic location: 17p13.1.
Variant type: single nucleotide variant.
Coding change: c.2915T>A on transcript NM_001005273.3 (MANE Select); coding-DNA position 2915, T replaced by A.
Protein change: p.Val972Asp; replaces valine 972 with aspartic acid.
Molecular consequence: missense variant.
Genome position (GRCh38, 1-based): chr17:7,900,668, T>A. VCF-style: chr17-7900668-T-A. GRCh37 (hg19) VCF-style: chr17-7803986-T-A.
Other names: c.3092T>A, p.Val1031Asp (NM_001005271.3); c.2915T>A, p.Val972Asp (NM_005852.4); short protein forms V1031D, V972D.
Identifiers: ClinVar variation 2431710 (VCV002431710.1), dbSNP rs2544953800, ClinGen allele CA397940639.